The following is an entry in ClinVar:

NM_001165963.4(SCN1A):c.2837G>C (p.Arg946Pro)

Gene: SCN1A (sodium voltage-gated channel alpha subunit 1; minus strand). Cytogenetic location: 2q24.3.
Variant type: single nucleotide variant.
Coding change: c.2837G>C on transcript NM_001165963.4 (MANE Select); coding-DNA position 2837, G replaced by C.
Protein change: p.Arg946Pro; replaces arginine 946 with proline.
Molecular consequence: missense variant. On other transcripts: non-coding transcript variant (1).
Genome position (GRCh38, 1-based): chr2:166,037,885, C>G on the plus strand (G>C on the coding strand, the complement: SCN1A is on the minus strand). VCF-style: chr2-166037885-C-G. GRCh37 (hg19) VCF-style: chr2-166894395-C-G.
Other names: c.2753G>C, p.Arg918Pro (NM_001165964.3, NM_001353957.2, NM_001353958.2); c.2837G>C, p.Arg946Pro (NM_001202435.3, NM_001353948.2); c.2804G>C, p.Arg935Pro (NM_001353949.2, NM_001353950.2, NM_001353951.2 and 2 more transcripts); c.2801G>C, p.Arg934Pro (NM_001353954.2, NM_001353955.2); c.2750G>C, p.Arg917Pro (NM_001353960.2); c.395G>C, p.Arg132Pro (NM_001353961.2); short protein forms R935P, R946P, R918P, R132P, R934P, R917P.
Identifiers: ClinVar variation 189882 (VCV000189882.4), dbSNP rs121917971, ClinGen allele CA303197.

ClinVar aggregate classification (germline): Pathogenic/Likely pathogenic. Review status: criteria provided, multiple submitters, no conflicts (2 of 4 stars). 3 submissions from 3 submitters: Pathogenic (2); Likely pathogenic (1). Last evaluated 2025-04-15.

Conditions:
Severe myoclonic epilepsy in infancy (DRVT). Also called: Epileptic encephalopathy, early infantile, 6 (Dravet syndrome); SEVERE MYOCLONIC EPILEPSY OF INFANCY; DEVELOPMENTAL AND EPILEPTIC ENCEPHALOPATHY 6A; Severe Myoclonic Epilepsy in Infancy (SMEI); Dravet syndrome. Identifiers: Orphanet 33069, MedGen C0751122, MONDO:0100135, OMIM 607208.

Submissions (3):

Victorian Clinical Genetics Services, Murdoch Childrens Research Institute
Classification: Pathogenic for Severe myoclonic epilepsy in infancy. Last evaluated: 2025-04-15. Review status: criteria provided, single submitter. Criteria: ACMG Guidelines, 2015. Collection method: clinical testing. Allele origin: germline. Affected: yes.
Comment: This variant is classified as Pathogenic. Evidence in support of pathogenic classification: Variant is absent from gnomAD (v2, v3 and v4); This variant has limited previous evidence of pathogenicity in an unrelated individual(s). This variant has been reported in a proband with Dravet syndrome (PMID: 33108073). - Other missense variant(s) comparable to the one identified in this case have very strong previous evidence for pathogenicity. p.(Arg946His), p.(Arg946Cys) and p.(Arg946Leu) have been classified as pathogenic or likely pathogenic by many clinical laboratories in ClinVar; Missense variant in a region that is highly intolerant to missense variation (high constraint region in DECIPHER); Missense variant predicted to be damaging by in silico tool(s) or highly conserved with a major amino acid change; Additional information: Variant is predicted to result in a missense amino acid change from arginine to proline; This variant is heterozygous; This gene is associated with autosomal dominant disease; Loss of function and gain of function are known mechanisms of disease in this gene and are associated with SCN1A-related epilepsy (PMID: 28488083).

3billion
Classification: Likely pathogenic for Severe myoclonic epilepsy in infancy. Last evaluated: 2025-01-08. Review status: criteria provided, single submitter. Criteria: ACMG Guidelines, 2015. Collection method: clinical testing. Allele origin: germline. Affected: yes.
Comment: The variant is not observed in the gnomAD v4.1.0 dataset. Predicted Consequence/Location: The variant is located in a mutational hot spot and/or well-established functional domain in which established pathogenic variants have been reported. In silico tool predictions suggest damaging effect of the variant on gene or gene product [REVEL: 0.99 (>=0.6, sensitivity 0.68 and specificity 0.92); 3Cnet: 0.99 (>=0.6, sensitivity 0.72 and precision 0.9)]. The same nucleotide change resulting in the same amino acid change has been previously reported to be associated with SCN1A-related disorder (ClinVar ID: VCV000189882 /PMID: 24168886). Different missense changes at the same codon (p.Arg946Cys, p.Arg946His, p.Arg946Ser) have been reported as pathogenic/likely pathogenic with strong evidence (ClinVar ID: VCV000068523, VCV000068604 /PMID: 14738421, 15944908 /3billion dataset). Therefore, this variant is classified as Likely pathogenic according to the recommendation of ACMG/AMP guideline.

Center for Bioinformatics, Peking University
Classification: Pathogenic for Dravet syndrome. Last evaluated: 2014-12-20. Review status: criteria provided, single submitter. Criteria: Xu et al. (Hum Mutat. 2015). Collection method: research. Allele origin: de novo. Affected: yes. Observed: 1 variant allele. Study: University Clinical Cooperation “985 Project” PKU-2014-1-1.
Comment: Dravet syndrome (DS) probands were recruited from the outpatient and inpatient child neurology units of Peking University First Hospital from 2005 till present. The study was approved by the Ethics Committee of Peking University First Hospital and the Institutional Review Board at Peking University. Participants or their parents provided written informed consent before enrollment. We collected a total of 267 mutations from 255 families with probands diagnosed with DS in China. All probands fulfilled the clinical diagnostic criteria.

Literature cited by the submitters: PubMed 28488083 (cited by Victorian Clinical Genetics Services, Murdoch Childrens Research Institute); PubMed 33108073 (cited by Victorian Clinical Genetics Services, Murdoch Childrens Research Institute); PubMed 24168886 (cited by 3billion); PubMed 14738421 (cited by 3billion).